The following is an entry in ClinVar:

ClinVar aggregate classification (germline): Uncertain significance. Review status: criteria provided, multiple submitters, no conflicts (2 of 4 stars). 4 submissions from 4 submitters: Uncertain significance (3). 1 of the submissions does not count toward it. Last evaluated 2024-12-25.

Conditions:
Autosomal recessive limb-girdle muscular dystrophy type 2B (LGMDR2). Also called: Limb-Girdle Muscular Dystrophy Type 2B (LGMD2B); MUSCULAR DYSTROPHY, LIMB-GIRDLE, TYPE 3; Limb-girdle muscular dystrophy, type 2B; MUSCULAR DYSTROPHY, LIMB-GIRDLE, AUTOSOMAL RECESSIVE 2. Identifiers: Orphanet 268, MedGen C1850889, MONDO:0009676, OMIM 253601.
Inborn genetic diseases. Identifiers: MedGen C0950123, MeSH D030342.
Neuromuscular disease caused by qualitative or quantitative defects of dysferlin. Also called: Dysferlinopathy; Qualitative or quantitative defects of dysferlin. Identifiers: Orphanet 207073, MedGen C2931687, MONDO:0016145.

Allele frequency attached by ClinVar (database versions not stated): gnomAD exomes below 0.00001; gnomAD 0.00001; TOPMed 0.00004.
gnomAD v4.1: 3 of 1,613,832 alleles (0.00019%); highest among the groups gnomAD compares: Admixed American, 0.0033%; no homozygotes.

Submissions (4):

Ambry Genetics
Classification: Uncertain significance for Inborn genetic diseases. Last evaluated: 2024-12-25. Review status: criteria provided, single submitter. Criteria: Ambry Variant Classification Scheme 2023. Collection method: clinical testing. Allele origin: germline.

Labcorp Genetics (formerly Invitae), Labcorp
Classification: Uncertain significance for Neuromuscular disease caused by qualitative or quantitative defects of dysferlin. Last evaluated: 2022-01-13. Review status: criteria provided, single submitter. Criteria: Invitae Variant Classification Sherloc (09022015). Collection method: clinical testing. Allele origin: germline.
Comment: This sequence change replaces valine, which is neutral and non-polar, with phenylalanine, which is neutral and non-polar, at codon 1217 of the DYSF protein (p.Val1217Phe). This variant is present in population databases (no rsID available, gnomAD 0.003%). This variant has not been reported in the literature in individuals affected with DYSF-related conditions. ClinVar contains an entry for this variant (Variation ID: 864346). Advanced modeling of protein sequence and biophysical properties (such as structural, functional, and spatial information, amino acid conservation, physicochemical variation, residue mobility, and thermodynamic stability) performed at Invitae indicates that this missense variant is not expected to disrupt DYSF protein function. In summary, the available evidence is currently insufficient to determine the role of this variant in disease. Therefore, it has been classified as a Variant of Uncertain Significance.

Revvity Omics, Revvity
Classification: Uncertain significance. Last evaluated: 2021-07-11. Review status: criteria provided, single submitter. Criteria: ACMG Guidelines, 2015. Collection method: clinical testing. Allele origin: germline.

Natera, Inc.
Classification: Uncertain significance for Limb-girdle muscular dystrophy type 2B. Last evaluated: 2020-09-16. Review status: no assertion criteria provided. Collection method: clinical testing. Allele origin: germline. Not counted in ClinVar's aggregate classification.

NM_001130987.2(DYSF):c.3703G>T (p.Val1235Phe)

Gene: DYSF (dysferlin; plus strand). Cytogenetic location: 2p13.2.
Variant type: single nucleotide variant.
Coding change: c.3703G>T on transcript NM_001130987.2 (MANE Select); coding-DNA position 3703, G replaced by T.
Protein change: p.Val1235Phe; replaces valine 1235 with phenylalanine.
Molecular consequence: missense variant.
Genome position (GRCh38, 1-based): chr2:71,598,692, G>T. VCF-style: chr2-71598692-G-T. GRCh37 (hg19) VCF-style: chr2-71825822-G-T.
Other names: c.3607G>T, p.Val1203Phe (NM_001130976.2, NM_001130977.2); c.3649G>T, p.Val1217Phe (NM_001130978.2, NM_003494.4); c.3742G>T, p.Val1248Phe (NM_001130979.2); c.3700G>T, p.Val1234Phe (NM_001130980.2, NM_001130981.2); c.3745G>T, p.Val1249Phe (NM_001130982.2); c.3652G>T, p.Val1218Phe (NM_001130983.2, NM_001130455.2); c.3610G>T, p.Val1204Phe (NM_001130984.2, NM_001130986.2); c.3703G>T, p.Val1235Phe (NM_001130985.2); short protein forms V1204F, V1234F, V1203F, V1248F, V1217F, V1235F, V1249F, V1218F.
Identifiers: ClinVar variation 864346 (VCV000864346.11), dbSNP rs1392863221, ClinGen allele CA347224244.